The following is an entry in ClinVar:

NM_001135629.3(PPP1R21):c.898-14del

Gene: PPP1R21 (protein phosphatase 1 regulatory subunit 21; plus strand). Cytogenetic location: 2p16.3.
Variant type: Deletion.
Coding change: c.898-14del on transcript NM_001135629.3 (MANE Select); 14 bases into the intron before coding-DNA position 898, one base deleted (T; older notation c.898-14delT).
Molecular consequence: intron variant.
Genome position (GRCh38, 1-based): chr2:48,471,073, T deleted; the last of 3 consecutive T bases (chr2:48,471,071-48,471,073); deleting any one gives the same sequence. VCF-style (leftmost placement, unchanged base first): chr2-48471070-CT-C. GRCh37 (hg19) VCF-style: chr2-48698209-CT-C.
Other names: c.898-14del (NM_152994.5, NM_001193475.2); c.898-14delT (NM_001135629.3).
Identifiers: ClinVar variation 4887663 (VCV004887663.1).

ClinVar aggregate classification (germline): Likely benign (1 of 4 stars; one submission).

Submission:

Women's Health and Genetics/Laboratory Corporation of America, LabCorp
Classification: Likely benign. Last evaluated: 2026-06-26. Review status: criteria provided, single submitter. Criteria: LabCorp Variant Classification Summary - May 2015. Collection method: clinical testing. Allele origin: germline.
Comment: Variant summary: PPP1R21 c.898-14delT alters a nucleotide located at a position not widely known to affect splicing. Consensus agreement among computation tools predict no significant impact on normal splicing. However, these predictions have yet to be confirmed by functional studies. The variant allele was found at a frequency of 8e-05 in 249198 control chromosomes. This frequency is not significantly higher than estimated for disease-causing variants in PPP1R21, allowing no conclusion about variant significance. To our knowledge, no occurrence of c.898-14delT in individuals affected with PPP1R21-related conditions and no experimental evidence demonstrating its impact on protein function have been reported. No submitters have cited clinical-significance assessments for this variant to ClinVar. Based on the evidence outlined above, the variant was classified as likely benign.